The following is an entry in ClinVar:

ClinVar aggregate classification (germline): Uncertain significance (1 of 4 stars; one submission).

Allele frequency attached by ClinVar (database versions not stated): gnomAD 0.00002; gnomAD exomes 0.00002; TOPMed 0.00002; ExAC 0.00015.
gnomAD v4.1: 24 of 1,413,050 alleles (0.0017%); highest among the groups gnomAD compares: Non-Finnish European, 0.00039%; no homozygotes.

Submission:

Quest Diagnostics Nichols Institute San Juan Capistrano
Classification: Uncertain significance. Last evaluated: 2023-02-24. Review status: criteria provided, single submitter. Criteria: Quest Diagnostics criteria. Collection method: clinical testing. Allele origin: unknown.
Comment: This variant has not been reported in the published literature. The frequency of this variant in the general population, 0.00034 (3/8746 chromosomes in Ashkenazi Jewish subpopulation), is higher than would generally be expected for pathogenic variants in this gene. Based on the available information, we are unable to determine the clinical significance of this variant.

NM_007294.4(BRCA1):c.*126T>G

Gene: BRCA1 (BRCA1 DNA repair associated; minus strand). Cytogenetic location: 17q21.31.
Variant type: single nucleotide variant.
Coding change: c.*126T>G on transcript NM_007294.4 (MANE Select); 126 bases downstream of the stop codon, T replaced by G.
Molecular consequence: 3 prime UTR variant.
Genome position (GRCh38, 1-based): chr17:43,045,552, A>C on the plus strand (T>G on the coding strand, the complement: BRCA1 is on the minus strand). VCF-style: chr17-43045552-A-C. GRCh37 (hg19) VCF-style: chr17-41197569-A-C.
Other names: c.*126T>G (NM_001407571.1, NM_001407581.1, NM_001407582.1 and 348 more transcripts); c.*232T>G (NM_001407854.1, NM_001407858.1, NM_001407859.1 and 14 more transcripts).
Identifiers: ClinVar variation 2682147 (VCV002682147.1), dbSNP rs776610841, ClinGen allele CA052782.